The following is an entry in ClinVar:

ClinVar aggregate classification (germline): Uncertain significance. Review status: criteria provided, multiple submitters, no conflicts (2 of 4 stars). 2 submissions from 2 submitters: Uncertain significance (2). Last evaluated 2023-11-17.

Conditions:
Inborn genetic diseases. Identifiers: MedGen C0950123, MeSH D030342.

Allele frequency attached by ClinVar (database versions not stated): ExAC 0.00003; gnomAD 0.00005; TOPMed 0.00005; gnomAD exomes 0.00007; ESP Exome Variant Server 0.00031.
gnomAD v4.1: 107 of 1,613,624 alleles (0.0066%); highest among the groups gnomAD compares: Non-Finnish European, 0.0083%; no homozygotes.

Submissions (2):

Labcorp Genetics (formerly Invitae), Labcorp
Classification: Uncertain significance. Last evaluated: 2023-11-17. Review status: criteria provided, single submitter. Criteria: Invitae Variant Classification Sherloc (09022015). Collection method: clinical testing. Allele origin: germline.
Comment: This sequence change replaces proline, which is neutral and non-polar, with leucine, which is neutral and non-polar, at codon 471 of the CDSN protein (p.Pro471Leu). This variant is present in population databases (rs142570009, gnomAD 0.008%). This variant has not been reported in the literature in individuals affected with CDSN-related conditions. ClinVar contains an entry for this variant (Variation ID: 2463530). Advanced modeling of protein sequence and biophysical properties (such as structural, functional, and spatial information, amino acid conservation, physicochemical variation, residue mobility, and thermodynamic stability) performed at Invitae indicates that this missense variant is not expected to disrupt CDSN protein function with a negative predictive value of 80%. In summary, the available evidence is currently insufficient to determine the role of this variant in disease. Therefore, it has been classified as a Variant of Uncertain Significance.

Ambry Genetics
Classification: Uncertain significance for Inborn genetic diseases. Last evaluated: 2023-02-22. Review status: criteria provided, single submitter. Criteria: Ambry Variant Classification Scheme 2023. Collection method: clinical testing. Allele origin: germline.

NM_001264.5(CDSN):c.1412C>T (p.Pro471Leu)

Genes: CDSN (corneodesmosin; minus strand), PSORS1C1 (psoriasis susceptibility 1 candidate 1; plus strand). Cytogenetic location: 6p21.33.
Variant type: single nucleotide variant.
Coding change: c.1412C>T on transcript NM_001264.5 (MANE Select); coding-DNA position 1412, C replaced by T.
Protein change: p.Pro471Leu; replaces proline 471 with leucine.
Molecular consequence: missense variant. On other transcripts: intron variant (1).
Genome position (GRCh38, 1-based): chr6:31,116,203, G>A on the plus strand (C>T on the coding strand, the complement: CDSN is on the minus strand). VCF-style: chr6-31116203-G-A. GRCh37 (hg19) VCF-style: chr6-31083980-G-A.
Other names: c.-229+1312G>A (NM_014068.3); short protein forms P471L.
Identifiers: ClinVar variation 2463530 (VCV002463530.5), dbSNP rs142570009, ClinGen allele CA3708318.
Genomic context (GRCh38, chr6:31,116,203, plus strand): 5'-GCACTGCTGGAGCCACAGGGCTTGGCACCAGCGGAGGGATCAGGATGGGGAGAGCCATCG[G>A]GGCCCCCAGTCAGTGTCAAGGAGGAGACAGACATGCAAGGGTGACCAGAAGAGCTGGACT-3'
Protein context (NP_001255.4, residues 461-481): SVSSLTLTGG[Pro471Leu]DGSPHPDPSA